The following is an entry in ClinVar:

ClinVar aggregate classification (germline): Likely pathogenic (1 of 4 stars; one submission).

Conditions:
Meckel-Gruber syndrome. Also called: Dysencephalia splachnocystica; DYSENCEPHALIA SPLANCHNOCYSTICA; GRUBER SYNDROME. Identifiers: Orphanet 564, MedGen C0265215, MONDO:0018921.
Joubert syndrome. Also called: Familial aplasia of the vermis; JOUBERT-BOLTSHAUSER SYNDROME. Identifiers: Orphanet 475, MedGen C5979921, MONDO:0018772.

Submission:

Labcorp Genetics (formerly Invitae), Labcorp
Classification: Likely pathogenic for Joubert syndrome; Meckel-Gruber syndrome. Last evaluated: 2019-09-16. Review status: criteria provided, single submitter. Criteria: Invitae Variant Classification Sherloc (09022015). Collection method: clinical testing. Allele origin: germline.
Comment: In summary, the currently available evidence indicates that the variant is pathogenic, but additional data are needed to prove that conclusively. Therefore, this variant has been classified as Likely Pathogenic. Donor and acceptor splice site variants typically lead to a loss of protein function (PMID: 16199547), and loss-of-function variants in CC2D2A are known to be pathogenic (PMID: 19777577). Algorithms developed to predict the effect of sequence changes on RNA splicing suggest that this variant may disrupt the consensus splice site, but this prediction has not been confirmed by published transcriptional studies. This variant has not been reported in the literature in individuals with CC2D2A-related conditions. This variant is not present in population databases (ExAC no frequency). This sequence change affects a donor splice site in intron 5 of the CC2D2A gene. It is expected to disrupt RNA splicing and likely results in an absent or disrupted protein product.

Literature cited by the submitters: PubMed 16199547; PubMed 19777577.

NM_001378615.1(CC2D2A):c.247+1G>A

Genes: CC2D2A (coiled-coil and C2 domain containing 2A; plus strand), FBXL5 (F-box and leucine rich repeat protein 5; minus strand). Cytogenetic location: 4p15.32.
Variant type: single nucleotide variant.
Coding change: c.247+1G>A on transcript NM_001378615.1 (MANE Select); the canonical splice donor site of the intron after coding-DNA position 247, G replaced by A.
Molecular consequence: splice donor variant.
Genome position (GRCh38, 1-based): chr4:15,480,828, G>A. VCF-style: chr4-15480828-G-A. GRCh37 (hg19) VCF-style: chr4-15482452-G-A.
Other names: c.247+1G>A (NM_001080522.2, NM_001164720.3); c.353+1G>A (NM_020785.2); c.100+1G>A (NM_001378617.1).
Identifiers: ClinVar variation 936696 (VCV000936696.8), dbSNP rs765072583, ClinGen allele CA356407827.